The following is an entry in ClinVar:

NM_015602.4(TOR1AIP1):c.553+1_553+10del

Gene: TOR1AIP1 (torsin 1A interacting protein 1; plus strand). Cytogenetic location: 1q25.2.
Variant type: Deletion.
Coding change: c.553+1_553+10del on transcript NM_015602.4 (MANE Select); the canonical splice donor site of the intron after coding-DNA position 553 through 10 bases into the intron after coding-DNA position 553, 10 bases deleted (GTAAGAATAG; older notation c.553+1_553+10delGTAAGAATAG).
Molecular consequence: splice donor variant.
Genome position (GRCh38, 1-based): chr1:179,884,770-179,884,779, GTAAGAATAG deleted; deleting any 10 consecutive bases within chr1:179,884,768-179,884,779 gives the same sequence; the c. name uses the placement nearest the transcript's 3' end. VCF-style (leftmost placement, unchanged base first): chr1-179884767-CAGGTAAGAAT-C. GRCh37 (hg19) VCF-style: chr1-179853902-CAGGTAAGAAT-C.
Other names: c.553+1_553+10del (NM_001267578.2).
Identifiers: ClinVar variation 664567 (VCV000664567.7), dbSNP rs750028739, ClinGen allele CA1268822.

ClinVar aggregate classification (germline): Conflicting classifications of pathogenicity. Review status: criteria provided, conflicting classifications (1 of 4 stars). 2 submissions from 2 submitters: Likely pathogenic (1); Uncertain significance (1). Last evaluated 2022-05-09.

Conditions:
Autosomal recessive limb-girdle muscular dystrophy type 2Y (MRRSDC). Also called: Muscular dystrophy, limb-girdle, type 2y; Muscular dystrophy, autosomal recessive, with rigid spine and distal joint contractures. Identifiers: Orphanet 424261, MedGen C4511482, MONDO:0014900, OMIM 617072.

Submissions (2):

Labcorp Genetics (formerly Invitae), Labcorp
Classification: Likely pathogenic for Autosomal recessive limb-girdle muscular dystrophy type 2Y. Last evaluated: 2022-05-09. Review status: criteria provided, single submitter. Criteria: Invitae Variant Classification Sherloc (09022015). Collection method: clinical testing. Allele origin: germline.
Comment: In summary, the currently available evidence indicates that the variant is pathogenic, but additional data are needed to prove that conclusively. Therefore, this variant has been classified as Likely Pathogenic. Algorithms developed to predict the effect of sequence changes on RNA splicing suggest that this variant may disrupt the consensus splice site. ClinVar contains an entry for this variant (Variation ID: 664567). This variant has not been reported in the literature in individuals affected with TOR1AIP1-related conditions. This variant is present in population databases (rs750028739, gnomAD 0.003%). This sequence change affects a splice site in intron 2 of the TOR1AIP1 gene. It is expected to disrupt RNA splicing. Variants that disrupt the donor or acceptor splice site typically lead to a loss of protein function (PMID: 16199547), and loss-of-function variants in TOR1AIP1 are known to be pathogenic (PMID: 24856141, 27342937).

GeneDx
Classification: Uncertain significance. Last evaluated: 2019-06-20. Review status: criteria provided, single submitter. Criteria: GeneDx Variant Classification Process June 2021. Collection method: clinical testing. Allele origin: germline. Affected: yes.
Comment: Not observed at a significant frequency in large population cohorts (Lek et al., 2016); Canonical splice site variant predicted to result in an in-frame deletion of exon 2; Has not been previously published as pathogenic or benign to our knowledge

Literature cited by the submitters: PubMed 16199547 (cited by Labcorp Genetics (formerly Invitae), Labcorp); PubMed 24856141 (cited by Labcorp Genetics (formerly Invitae), Labcorp); PubMed 27342937 (cited by Labcorp Genetics (formerly Invitae), Labcorp).